The following is an entry in ClinVar:

NM_020937.4(FANCM):c.3520T>C (p.Ser1174Pro)

Gene: FANCM (FA complementation group M; plus strand). Cytogenetic location: 14q21.2.
Variant type: single nucleotide variant.
Coding change: c.3520T>C on transcript NM_020937.4 (MANE Select); coding-DNA position 3520, T replaced by C.
Protein change: p.Ser1174Pro; replaces serine 1174 with proline.
Molecular consequence: missense variant.
Genome position (GRCh38, 1-based): chr14:45,176,274, T>C. VCF-style: chr14-45176274-T-C. GRCh37 (hg19) VCF-style: chr14-45645477-T-C.
Other names: c.3442T>C, p.Ser1148Pro (NM_001308133.2); short protein forms S1148P, S1174P.
Identifiers: ClinVar variation 3625589 (VCV003625589.2).
Genomic context (GRCh38, chr14:45,176,274, plus strand): 5'-AGTAAAAGCGAATCTTTACCTGTGTCAGACAAAACTGCTATTAGTGAAACGCCTCTGGTC[T>C]CTCAGTTCTTAATTTCTGATGAACTTTTGTTGGACAATAATTCTGAACTCCAAGATCAAA-3'
Protein context (NP_065988.1, residues 1164-1184): KTAISETPLV[Ser1174Pro]QFLISDELLL

ClinVar aggregate classification (germline): Uncertain significance (1 of 4 stars; one submission).

Conditions:
Fanconi anemia (FA). Also called: Fanconi's anemia. Identifiers: Orphanet 84, MedGen C0015625, MeSH D005199, MONDO:0019391.

Submission:

Labcorp Genetics (formerly Invitae), Labcorp
Classification: Uncertain significance for Fanconi anemia. Last evaluated: 2026-01-16. Review status: criteria provided, single submitter. Criteria: Invitae Variant Classification Sherloc (09022015). Collection method: clinical testing. Allele origin: germline.
Comment: This sequence change replaces serine, which is neutral and polar, with proline, which is neutral and non-polar, at codon 1174 of the FANCM protein (p.Ser1174Pro). This variant is present in population databases (no rsID available, gnomAD 0.0009%). This variant has not been reported in the literature in individuals affected with FANCM-related conditions. ClinVar contains an entry for this variant (Variation ID: 3625589). An algorithm developed to predict the effect of missense changes on protein structure and function (PolyPhen-2) suggests that this variant is likely to be disruptive. In summary, the available evidence is currently insufficient to determine the role of this variant in disease. Therefore, it has been classified as a Variant of Uncertain Significance.